The following is an entry in ClinVar:

NM_001080483.3(MYMK):c.482_483insCCCA (p.Ala162fs)

Gene: MYMK (myomaker, myoblast fusion factor; minus strand). Cytogenetic location: 9q34.2.
Variant type: Insertion.
Coding change: c.482_483insCCCA on transcript NM_001080483.3 (MANE Select); coding-DNA positions 482 to 483, CCCA inserted.
Protein change: p.Ala162fs; shifts the reading frame from alanine 162.
Molecular consequence: frameshift variant.
Genome position: GRCh38 VCF-style: chr9-133515524-C-CTGGG. GRCh37 (hg19) VCF-style: chr9-136380646-C-CTGGG.
Other names: short protein forms A162fs.
Identifiers: ClinVar variation 986372 (VCV000986372.1), dbSNP rs1386322306, ClinGen allele CA591062330.

ClinVar aggregate classification (germline): Uncertain significance (1 of 4 stars; one submission).

Conditions:
Congenital nonprogressive myopathy with Moebius and Robin sequences. Also called: Carey-Fineman-Ziter syndrome. Identifiers: Orphanet 1358, MedGen C1850746, MONDO:0031415.

Allele frequency attached by ClinVar (database versions not stated): gnomAD exomes below 0.00001 and 0.00001; TOPMed below 0.00001.

Submission:

Broad Center for Mendelian Genomics, Broad Institute of MIT and Harvard
Classification: Uncertain significance for Congenital nonprogressive myopathy with Moebius and Robin sequences. Last evaluated: 2020-11-16. Review status: criteria provided, single submitter. Criteria: ACMG Guidelines, 2015. Collection method: curation. Allele origin: germline. Inheritance: Autosomal recessive inheritance.
Comment: The variant has not been previously reported in individuals with CFZS, but has been identified in 0.006% (2/34554) of Latino chromosomes by the Genome Aggregation Database (gnomAD; dbSNP ID: rs1386322306). Although this variant has been seen in the general population in a heterozygous state, its frequency is low enough to be consistent with a recessive carrier frequency. This variant is predicted to cause a frameshift, which alters the proteinâ€™s amino acid sequence beginning at position 162 and leads to a premature termination codon 12 amino acids downstream. This termination codon occurs within the last exon and is more likely to escape nonsense mediated decay (NMD) and result in a truncated protein. While there is some evidence to suggest that loss of function of the MYMK gene is a disease mechanism in autosomal recessive CFZS, this association is not yet strongly established based on the criteria laid out in Tayoun, 2018 (PMID: 30192042). In summary, while there is some suspicion for a pathogenic role, the clinical significance of this variant is uncertain. ACMG/AMP Criteria applied: PM2, PVS1_supporting (Richards 2015).